The following is an entry in ClinVar:

NM_005876.5(SPEG):c.4312G>A (p.Glu1438Lys)

Gene: SPEG (striated muscle enriched protein kinase; plus strand). Cytogenetic location: 2q35.
Variant type: single nucleotide variant.
Coding change: c.4312G>A on transcript NM_005876.5 (MANE Select); coding-DNA position 4312, G replaced by A.
Protein change: p.Glu1438Lys; replaces glutamic acid 1438 with lysine.
Molecular consequence: missense variant.
Genome position (GRCh38, 1-based): chr2:219,473,768, G>A. VCF-style: chr2-219473768-G-A. GRCh37 (hg19) VCF-style: chr2-220338490-G-A.
Other names: short protein forms E1438K.
Identifiers: ClinVar variation 2978263 (VCV002978263.3), dbSNP rs2545827144, ClinGen allele CA350677997.
Genomic context (GRCh38, chr2:219,473,768, plus strand): 5'-CCCTGTCATGTGTCCCCTAGCTGCCGAGGGGCCCTCCTAGAGGCACGGGCCGGTGTGTAC[G>A]AGCTGAGCCAGCCAGATGATGACCAGTACTGTCTTCGGATCTGCCGGGTGAGCCGCCGGG-3'
Protein context (NP_005867.3, residues 1428-1448): ALLEARAGVY[Glu1438Lys]LSQPDDDQYC

ClinVar aggregate classification (germline): Uncertain significance (1 of 4 stars; one submission).

gnomAD v4.1: 1 of 1,614,028 alleles (0.000062%); no homozygotes.

Submission:

Labcorp Genetics (formerly Invitae), Labcorp
Classification: Uncertain significance. Last evaluated: 2022-12-15. Review status: criteria provided, single submitter. Criteria: Invitae Variant Classification Sherloc (09022015). Collection method: clinical testing. Allele origin: germline.
Comment: This variant is not present in population databases (gnomAD no frequency). In summary, the available evidence is currently insufficient to determine the role of this variant in disease. Therefore, it has been classified as a Variant of Uncertain Significance. Algorithms developed to predict the effect of missense changes on protein structure and function are either unavailable or do not agree on the potential impact of this missense change (SIFT: "Deleterious"; PolyPhen-2: "Probably Damaging"; Align-GVGD: "Class C0"). This variant has not been reported in the literature in individuals affected with SPEG-related conditions. This sequence change replaces glutamic acid, which is acidic and polar, with lysine, which is basic and polar, at codon 1438 of the SPEG protein (p.Glu1438Lys).